The following is an entry in ClinVar:

NM_001012302.3(ANO9):c.327G>A (p.Pro109=)

Gene: ANO9 (anoctamin 9; minus strand). Cytogenetic location: 11p15.5.
Variant type: single nucleotide variant.
Coding change: c.327G>A on transcript NM_001012302.3 (MANE Select); coding-DNA position 327, G replaced by A.
Protein change: p.Pro109=; no amino-acid change (proline 109 retained).
Molecular consequence: synonymous variant. On other transcripts: 5 prime UTR variant (1).
Genome position (GRCh38, 1-based): chr11:433,337, C>T on the plus strand (G>A on the coding strand, the complement: ANO9 is on the minus strand). VCF-style: chr11-433337-C-T. GRCh37 (hg19) VCF-style: chr11-433337-C-T.
Other names: c.-186G>A (NM_001347882.2).
Identifiers: ClinVar variation 2641050 (VCV002641050.24), dbSNP rs141202527, ClinGen allele CA5777790.

ClinVar aggregate classification (germline): Likely benign (1 of 4 stars; one submission).

Allele frequency attached by ClinVar (database versions not stated): 1000 Genomes Project 0.00020; 1000 Genomes Project 30x 0.00031; TOPMed 0.00101; gnomAD 0.00125; ESP Exome Variant Server 0.00154.
gnomAD v4.1: 2,953 of 1,612,552 alleles (0.18%); highest among the groups gnomAD compares: Non-Finnish European, 0.22%; 10 homozygotes.

Submission:

CeGaT Center for Human Genetics Tuebingen
Classification: Likely benign. Last evaluated: 2022-10-01. Review status: criteria provided, single submitter. Criteria: CeGaT Center For Human Genetics Tuebingen Variant Classification Criteria Version 2. Collection method: clinical testing. Allele origin: germline. Affected: yes. Observed: 1 variant allele.
Comment: ANO9: BP4, BP7